The following is an entry in ClinVar:

ClinVar aggregate classification (germline): Likely benign. Review status: criteria provided, multiple submitters, no conflicts (2 of 4 stars). 3 submissions from 3 submitters: Likely benign (3). Last evaluated 2026-04-20.

Conditions:
RP1-related disorder. Also called: RP1-related condition.

Allele frequency attached by ClinVar (database versions not stated): gnomAD exomes 0.00005; ExAC 0.00007; 1000 Genomes Project 30x 0.00016; 1000 Genomes Project 0.00020; ESP Exome Variant Server 0.00023; gnomAD 0.00028 and 0.00029; TOPMed 0.00028.
gnomAD v4.1: 74 of 1,614,132 alleles (0.0046%); highest among the groups gnomAD compares: African/African-American, 0.081%; no homozygotes.

Submissions (3):

PreventionGenetics, part of Exact Sciences
Classification: Likely benign for RP1-related condition. Last evaluated: 2026-04-20. Review status: criteria provided, single submitter. Criteria: ACMG Guidelines, 2015. Collection method: clinical testing. Allele origin: germline.
Comment: This variant is classified as likely benign based on ACMG/AMP sequence variant interpretation guidelines (Richards et al. 2015 PMID: 25741868, with internal and published modifications).

Labcorp Genetics (formerly Invitae), Labcorp
Classification: Likely benign. Last evaluated: 2025-01-06. Review status: criteria provided, single submitter. Criteria: Invitae Variant Classification Sherloc (09022015). Collection method: clinical testing. Allele origin: germline.

Blueprint Genetics
Classification: Likely benign. Last evaluated: 2022-11-06. Review status: criteria provided, single submitter. Criteria: ACMG Guidelines, 2015. Collection method: clinical testing. Allele origin: germline.

NM_006269.2(RP1):c.3657T>C (p.Ser1219=)

Gene: RP1 (RP1 axonemal microtubule associated; plus strand). Cytogenetic location: 8q12.1.
Variant type: single nucleotide variant.
Coding change: c.3657T>C on transcript NM_006269.2 (MANE Select); coding-DNA position 3657, T replaced by C.
Protein change: p.Ser1219=; no amino-acid change (serine 1219 retained).
Molecular consequence: synonymous variant. On other transcripts: intron variant (1).
Genome position (GRCh38, 1-based): chr8:54,627,539, T>C. VCF-style: chr8-54627539-T-C. GRCh37 (hg19) VCF-style: chr8-55540099-T-C.
Other names: c.3657T>C (NM_006269.1); c.787+5251T>C (NM_001375654.1).
Identifiers: ClinVar variation 1150278 (VCV001150278.12), dbSNP rs145115379, ClinGen allele CA4751725.